The following is an entry in ClinVar:

ClinVar aggregate classification (germline): Uncertain significance (1 of 4 stars; one submission).

Conditions:
Mitochondrial DNA depletion syndrome 13. Also called: FBXL4-Related Encephalomyopathic Mitochondrial DNA Depletion Syndrome; Mitochondrial DNA depletion syndrome 13 (encephalomyopathic type). Identifiers: Orphanet 369897, MedGen C3809592, MONDO:0014198, OMIM 615471.

Allele frequency attached by ClinVar (database versions not stated): gnomAD exomes below 0.00001; ExAC 0.00001.
gnomAD v4.1: 1 of 1,599,326 alleles (0.000063%); highest among the groups gnomAD compares: South Asian, 0.0011%; no homozygotes.

Submission:

Wong Mito Lab, Molecular and Human Genetics, Baylor College of Medicine
Classification: Uncertain significance for Mitochondrial DNA depletion syndrome 13. Last evaluated: 2017-08-10. Review status: criteria provided, single submitter. Criteria: ACMG Guidelines, 2015. Collection method: reference population. Allele origin: germline.
Comment: The NM_012160.4:c.1703-9C>T (NP_036292.2:p.=) [GRCH38: NC_000006.12:g.98874450G>A] variant in FBXL4 gene is interpretated to be a Uncertain Significance - Insufficient Evidence based on ACMG guidelines (PMID: 25741868). This variant meets one or more of the following evidence codes reported in the ACMG-guideline. PM2:This variant is absent in key population databases. Based on this evidence code ClinGen Pathogenicity Calculator (PMID:28081714) suggested that the variant is Uncertain Significance - Insufficient Evidence.

NM_001278716.2(FBXL4):c.1703-9C>T

Gene: FBXL4 (F-box and leucine rich repeat protein 4; minus strand). Cytogenetic location: 6q16.1.
Variant type: single nucleotide variant.
Coding change: c.1703-9C>T on transcript NM_001278716.2 (MANE Select); 9 bases into the intron before coding-DNA position 1703, C replaced by T.
Molecular consequence: intron variant.
Genome position (GRCh38, 1-based): chr6:98,874,450, G>A on the plus strand (C>T on the coding strand, the complement: FBXL4 is on the minus strand). VCF-style: chr6-98874450-G-A. GRCh37 (hg19) VCF-style: chr6-99322326-G-A.
Other names: c.1703-9C>T (NM_012160.5).
Identifiers: ClinVar variation 437796 (VCV000437796.1), dbSNP rs780793598, ClinGen allele CA3933361.